The following is an entry in ClinVar:

ClinVar aggregate classification (germline): Benign/Likely benign. Review status: criteria provided, multiple submitters, no conflicts (2 of 4 stars). 8 submissions from 8 submitters: Benign (2); Likely benign (6). Last evaluated 2026-07-01.

Conditions:
Cardiac arrhythmia, ankyrin-B-related. Also called: ANKYRIN-B SYNDROME. Identifiers: Orphanet 101016, Orphanet 768, MedGen C1970119, MONDO:0010958, OMIM 600919.
Cardiovascular phenotype. Identifiers: MedGen CN230736.
Long QT syndrome (LQTS). Identifiers: MedGen C0023976, MeSH D008133, MONDO:0002442. Disease mechanism: loss of function. Inheritance: Various modes of inheritance.

Allele frequency attached by ClinVar (database versions not stated): gnomAD 0.00014 and 0.00022; gnomAD exomes 0.00019 and 0.00037; ExAC 0.00032; TOPMed 0.00037; 1000 Genomes Project 30x 0.00078; 1000 Genomes Project 0.00080.
gnomAD v4.1: 307 of 1,613,754 alleles (0.019%); highest among the groups gnomAD compares: East Asian, 0.67%; no homozygotes.

Submissions (8):

CeGaT Center for Human Genetics Tuebingen
Classification: Likely benign. Last evaluated: 2026-07-01. Review status: criteria provided, single submitter. Criteria: CeGaT Center For Human Genetics Tuebingen Variant Classification Criteria Version 2. Collection method: clinical testing. Allele origin: germline. Affected: yes. Observed: 2 variant alleles.
Comment: ANK2: BP4, BP7

Labcorp Genetics (formerly Invitae), Labcorp
Classification: Benign for Long QT syndrome. Last evaluated: 2026-01-21. Review status: criteria provided, single submitter. Criteria: Invitae Variant Classification Sherloc (09022015). Collection method: clinical testing. Allele origin: germline.

Blueprint Genetics
Classification: Likely benign. Last evaluated: 2024-02-16. Review status: criteria provided, single submitter. Criteria: ACMG Guidelines, 2015. Collection method: clinical testing. Allele origin: germline.

Genome-Nilou Lab
Classification: Benign for Cardiac arrhythmia, ankyrin-B-related. Last evaluated: 2021-12-05. Review status: criteria provided, single submitter. Criteria: ACMG Guidelines, 2015. Collection method: clinical testing. Allele origin: germline. Affected: no.

GeneDx
Classification: Likely benign. Last evaluated: 2018-05-22. Review status: criteria provided, single submitter. Criteria: GeneDx Variant Classification Process June 2021. Collection method: clinical testing. Allele origin: germline. Affected: yes.

Ambry Genetics
Classification: Likely benign for Cardiovascular phenotype. Last evaluated: 2018-04-11. Review status: criteria provided, single submitter. Criteria: Ambry Variant Classification Scheme 2023. Collection method: clinical testing. Allele origin: germline.

Illumina Laboratory Services, Illumina
Classification: Likely benign for Cardiac arrhythmia, ankyrin-B-related. Last evaluated: 2018-01-13. Review status: criteria provided, single submitter. Criteria: ICSL Variant Classification Criteria 13 December 2019. Collection method: clinical testing. Allele origin: germline.
Comment: This variant was observed in the ICSL laboratory as part of a predisposition screen in an ostensibly healthy population. It had not been previously curated by ICSL or reported in the Human Gene Mutation Database (HGMD: prior to June 1st, 2018), and was therefore a candidate for classification through an automated scoring system. Utilizing variant allele frequency, disease prevalence and penetrance estimates, and inheritance mode, an automated score was calculated to assess if this variant is too frequent to cause the disease. Based on the score and internal cut-off values, a variant classified as likely benign is not then subjected to further curation. The score for this variant resulted in a classification of likely benign for this disease.

Breakthrough Genomics
Classification: Likely benign. Review status: criteria provided, single submitter. Criteria: ACMG Guidelines, 2015. Collection method: not provided. Allele origin: germline. Inheritance: Autosomal dominant inheritance. Affected: yes.

NM_001148.6(ANK2):c.2850C>A (p.Gly950=)

Gene: ANK2 (ankyrin 2; plus strand). Cytogenetic location: 4q26.
Variant type: single nucleotide variant.
Coding change: c.2850C>A on transcript NM_001148.6 (MANE Select); coding-DNA position 2850, C replaced by A.
Protein change: p.Gly950=; no amino-acid change (glycine 950 retained).
Molecular consequence: synonymous variant.
Genome position (GRCh38, 1-based): chr4:113,318,570, C>A. VCF-style: chr4-113318570-C-A. GRCh37 (hg19) VCF-style: chr4-114239726-C-A.
Other names: c.2787C>A, p.Gly929= (NM_001127493.3, NM_001354243.2, NM_001354255.2 and 3 more transcripts); c.2862C>A, p.Gly954= (NM_001354225.2); c.2850C>A, p.Gly950= (NM_001354228.2, NM_001354232.2, NM_001354258.2 and 1 more transcripts); c.2892C>A, p.Gly964= (NM_001354230.2, NM_001354231.2, NM_001354237.2 and 1 more transcripts); c.2847C>A, p.Gly949= (NM_001354235.2, NM_001354236.2, NM_001354246.2 and 1 more transcripts); c.2784C>A, p.Gly928= (NM_001354239.2, NM_001354244.2, NM_001354252.2 and 3 more transcripts); c.2895C>A, p.Gly965= (NM_001354240.2, NM_001354241.2, NM_001386144.1); c.2751C>A, p.Gly917= (NM_001354245.2, NM_001354268.2); and 17 more.
Identifiers: ClinVar variation 347316 (VCV000347316.43), dbSNP rs189563238, ClinGen allele CA3050686.